The following is an entry in ClinVar:

NM_000459.5(TEK):c.1390A>C (p.Asn464His)

Gene: TEK (TEK receptor tyrosine kinase; plus strand). Cytogenetic location: 9p21.2.
Variant type: single nucleotide variant.
Coding change: c.1390A>C on transcript NM_000459.5 (MANE Select); coding-DNA position 1390, A replaced by C.
Protein change: p.Asn464His; replaces asparagine 464 with histidine.
Molecular consequence: missense variant.
Genome position (GRCh38, 1-based): chr9:27,190,591, A>C. VCF-style: chr9-27190591-A-C. GRCh37 (hg19) VCF-style: chr9-27190589-A-C.
Other names: c.1261A>C, p.Asn421His (NM_001290077.2, NM_001375476.1); c.949A>C, p.Asn317His (NM_001290078.2); c.1390A>C, p.Asn464His (NM_001375475.1); short protein forms N464H, N421H, N317H.
Identifiers: ClinVar variation 366424 (VCV000366424.7), dbSNP rs746069957, ClinGen allele CA5016225.

ClinVar aggregate classification (germline): Conflicting classifications of pathogenicity. Review status: criteria provided, conflicting classifications (1 of 4 stars). 2 submissions from 2 submitters: Uncertain significance (1); Benign (1). Last evaluated 2023-02-09.

Conditions:
Inborn genetic diseases. Identifiers: MedGen C0950123, MeSH D030342.
Multiple cutaneous and mucosal venous malformations (VMCM). Also called: TEK-Related Multiple Cutaneous and Mucosal Venous Malformations (VMCM). Identifiers: Orphanet 2451, MedGen C1838437, MONDO:0010842, OMIM 600195.

Allele frequency attached by ClinVar (database versions not stated): gnomAD exomes 0.00002; TOPMed 0.00003; ExAC 0.00002.
gnomAD v4.1: 16 of 1,613,942 alleles (0.00099%); highest among the groups gnomAD compares: East Asian, 0.033%; no homozygotes.

Submissions (2):

Ambry Genetics
Classification: Uncertain significance for Inborn genetic diseases. Last evaluated: 2023-02-09. Review status: criteria provided, single submitter. Criteria: Ambry Variant Classification Scheme 2023. Collection method: clinical testing. Allele origin: germline.

Illumina Laboratory Services, Illumina
Classification: Benign for Multiple cutaneous and mucosal venous malformations. Last evaluated: 2018-01-13. Review status: criteria provided, single submitter. Criteria: ICSL Variant Classification Criteria 13 December 2019. Collection method: clinical testing. Allele origin: germline.
Comment: This variant was observed in the ICSL laboratory as part of a predisposition screen in an ostensibly healthy population. It had not been previously curated by ICSL or reported in the Human Gene Mutation Database (HGMD: prior to June 1st, 2018), and was therefore a candidate for classification through an automated scoring system. Utilizing variant allele frequency, disease prevalence and penetrance estimates, and inheritance mode, an automated score was calculated to assess if this variant is too frequent to cause the disease. Based on the score and internal cut-off values, a variant classified as benign is not then subjected to further curation. The score for this variant resulted in a classification of benign for this disease.